The following is an entry in ClinVar:

NM_001134363.3(RBM20):c.2538G>A (p.Met846Ile)

Gene: RBM20 (RNA binding motif protein 20; plus strand). Cytogenetic location: 10q25.2.
Variant type: single nucleotide variant.
Coding change: c.2538G>A on transcript NM_001134363.3 (MANE Select); coding-DNA position 2538, G replaced by A.
Protein change: p.Met846Ile; replaces methionine 846 with isoleucine.
Molecular consequence: missense variant.
Genome position (GRCh38, 1-based): chr10:110,812,935, G>A. VCF-style: chr10-110812935-G-A. GRCh37 (hg19) VCF-style: chr10-112572693-G-A.
Other names: short protein forms M846I.
Identifiers: ClinVar variation 4766859 (VCV004766859.1).

ClinVar aggregate classification (germline): Uncertain significance (1 of 4 stars; one submission).

Conditions:
Dilated cardiomyopathy 1DD (CMD1DD). Identifiers: Orphanet 154, MedGen C2750995, MONDO:0013168, OMIM 613172.

gnomAD v4.1: 1 of 1,451,126 alleles (0.000069%); highest among the groups gnomAD compares: Non-Finnish European, 0.000091%; no homozygotes.

Submission:

Labcorp Genetics (formerly Invitae), Labcorp
Classification: Uncertain significance for Dilated cardiomyopathy 1DD. Last evaluated: 2025-12-02. Review status: criteria provided, single submitter. Criteria: Invitae Variant Classification Sherloc (09022015). Collection method: clinical testing. Allele origin: germline.
Comment: This sequence change replaces methionine, which is neutral and non-polar, with isoleucine, which is neutral and non-polar, at codon 846 of the RBM20 protein (p.Met846Ile). This variant is not present in population databases (gnomAD no frequency). This variant has not been reported in the literature in individuals affected with RBM20-related conditions. Invitae Evidence Modeling of protein sequence and biophysical properties (such as structural, functional, and spatial information, amino acid conservation, physicochemical variation, residue mobility, and thermodynamic stability) indicates that this missense variant is not expected to disrupt RBM20 protein function with a negative predictive value of 95%. In summary, the available evidence is currently insufficient to determine the role of this variant in disease. Therefore, it has been classified as a Variant of Uncertain Significance.